The following is an entry in ClinVar:

ClinVar aggregate classification (germline): Uncertain significance. Review status: criteria provided, multiple submitters, no conflicts (2 of 4 stars). 2 submissions from 2 submitters: Uncertain significance (2). Last evaluated 2025-09-22.

Allele frequency attached by ClinVar (database versions not stated): ExAC 0.00002.

Submissions (2):

Labcorp Genetics (formerly Invitae), Labcorp
Classification: Uncertain significance. Last evaluated: 2025-09-22. Review status: criteria provided, single submitter. Criteria: Invitae Variant Classification Sherloc (09022015). Collection method: clinical testing. Allele origin: germline.
Comment: This sequence change replaces alanine, which is neutral and non-polar, with glycine, which is neutral and non-polar, at codon 284 of the CACNA1F protein (p.Ala284Gly). The frequency data for this variant in the population databases is considered unreliable, as metrics indicate poor data quality at this position in the gnomAD database. This variant has not been reported in the literature in individuals affected with CACNA1F-related conditions. ClinVar contains an entry for this variant (Variation ID: 3002757). Invitae Evidence Modeling of protein sequence and biophysical properties (such as structural, functional, and spatial information, amino acid conservation, physicochemical variation, residue mobility, and thermodynamic stability) indicates that this missense variant is not expected to disrupt CACNA1F protein function with a negative predictive value of 80%. In summary, the available evidence is currently insufficient to determine the role of this variant in disease. Therefore, it has been classified as a Variant of Uncertain Significance.

Blueprint Genetics
Classification: Uncertain significance. Last evaluated: 2022-01-21. Review status: criteria provided, single submitter. Criteria: ACMG Guidelines, 2015. Collection method: clinical testing. Allele origin: germline.

NM_001256789.3(CACNA1F):c.851C>G (p.Ala284Gly)

Gene: CACNA1F (calcium voltage-gated channel subunit alpha1 F; minus strand). Cytogenetic location: Xp11.23.
Variant type: single nucleotide variant.
Coding change: c.851C>G on transcript NM_001256789.3 (MANE Select); coding-DNA position 851, C replaced by G.
Protein change: p.Ala284Gly; replaces alanine 284 with glycine.
Molecular consequence: missense variant.
Genome position (GRCh38, 1-based): chrX:49,228,414, G>C on the plus strand (C>G on the coding strand, the complement: CACNA1F is on the minus strand). VCF-style: chrX-49228414-G-C. GRCh37 (hg19) VCF-style: chrX-49084876-G-C.
Other names: c.656C>G, p.Ala219Gly (NM_001256790.3); c.851C>G, p.Ala284Gly (NM_005183.4); short protein forms A284G, A219G.
Identifiers: ClinVar variation 3002757 (VCV003002757.4), dbSNP rs782280160, ClinGen allele CA10411003.
Genomic context (GRCh38, chrX:49,228,414, plus strand): 5'-GGCCAGCGCCCGCGGCACTCAGTCTGGTTCAGCGTGCACGCACGCCCTGATCCCGAAGAC[G>C]CACAGGGCGATGGGTCCTCCTCCGCTTCCATGTCTGCAGGAAGACTGGAGCTTGGGGCTT-3'
Protein context (NP_001243718.1, residues 274-294): MEAEEDPSPC[Ala284Gly]SSGSGRACTL